The following is an entry in ClinVar:

NM_014055.4(IFT81):c.65A>C (p.Asn22Thr)

Gene: IFT81 (intraflagellar transport 81; plus strand). Cytogenetic location: 12q24.11.
Variant type: single nucleotide variant.
Coding change: c.65A>C on transcript NM_014055.4 (MANE Select); coding-DNA position 65, A replaced by C.
Protein change: p.Asn22Thr; replaces asparagine 22 with threonine.
Molecular consequence: missense variant. On other transcripts: 5 prime UTR variant (2), non-coding transcript variant (4).
Genome position (GRCh38, 1-based): chr12:110,127,445, A>C. VCF-style: chr12-110127445-A-C. GRCh37 (hg19) VCF-style: chr12-110565250-A-C.
Other names: c.65A>C, p.Asn22Thr (NM_001143779.2, NM_001347946.2, NM_031473.4); c.-702A>C (NM_001347947.2, NM_001347948.2); short protein forms N22T.
Identifiers: ClinVar variation 731781 (VCV000731781.14), dbSNP rs151311859, ClinGen allele CA6782984.
Genomic context (GRCh38, chr12:110,127,445, plus strand): 5'-GTGATCAAATTAAATTCATTATGGACAGTCTCAATAAGGAGCCCTTTAGGAAGAACTATA[A>C]TTTAATCACGTTTGATTCCTTGGAGCCAATGCAACTATTACAAGTTCTCAGTGATGTTCT-3'
Protein context (NP_054774.2, residues 12-32): LNKEPFRKNY[Asn22Thr]LITFDSLEPM

ClinVar aggregate classification (germline): Likely benign. Review status: criteria provided, multiple submitters, no conflicts (2 of 4 stars). 3 submissions from 3 submitters: Likely benign (2). 1 of the submissions does not count toward it. Last evaluated 2026-01-28.

Conditions:
IFT81-related disorder. Also called: IFT81-related condition.

Allele frequency attached by ClinVar (database versions not stated): 1000 Genomes Project 30x 0.00031; 1000 Genomes Project 0.00040; gnomAD exomes 0.00130 and 0.00275; gnomAD 0.00154 and 0.00160; TOPMed 0.00171; ExAC 0.00174; ESP Exome Variant Server 0.00215.

Submissions (3):

Labcorp Genetics (formerly Invitae), Labcorp
Classification: Likely benign. Last evaluated: 2026-01-28. Review status: criteria provided, single submitter. Criteria: Invitae Variant Classification Sherloc (09022015). Collection method: clinical testing. Allele origin: germline.

Blueprint Genetics
Classification: Likely benign. Last evaluated: 2024-11-22. Review status: criteria provided, single submitter. Criteria: ACMG Guidelines, 2015. Collection method: clinical testing. Allele origin: germline.

PreventionGenetics, part of Exact Sciences
Classification: Likely benign for IFT81-related condition. Last evaluated: 2023-11-20. Review status: no assertion criteria provided. Collection method: clinical testing. Allele origin: germline. Not counted in ClinVar's aggregate classification.
Comment: This variant is classified as likely benign based on ACMG/AMP sequence variant interpretation guidelines (Richards et al. 2015 PMID: 25741868, with internal and published modifications).